The following is an entry in ClinVar:

ClinVar aggregate classification (germline): Conflicting classifications of pathogenicity. Review status: criteria provided, conflicting classifications (1 of 4 stars). 5 submissions from 1 submitter: Uncertain significance (3); Benign (2). Last evaluated 2018-01-12.

Conditions:
Early-onset myopathy with fatal cardiomyopathy (CMYO5). Also called: CONGENITAL MYOPATHY 5 WITH CARDIOMYOPATHY; Salih Myopathy. Identifiers: Orphanet 289377, MedGen C2673677, MONDO:0012714, OMIM 611705. Disease mechanism: loss of function.
Myopathy, myofibrillar, 9, with early respiratory failure (MFM9). Also called: EDSTROM MYOPATHY; MYOPATHY, PROXIMAL, WITH EARLY RESPIRATORY MUSCLE INVOLVEMENT; Myopathy, distal, with early respiratory failure, autosomal dominant; Hereditary myopathy with early respiratory failure. Identifiers: Orphanet 178464, Orphanet 34521, MedGen C1863599, MONDO:0011362, OMIM 603689.
Tibial muscular dystrophy (TMD). Also called: Tibial muscular dystrophy, tardive; UDD MYOPATHY; Udd Distal Myopathy – Tibial Muscular Dystrophy. Identifiers: Orphanet 609, MedGen C1838244, MONDO:0010870, OMIM 600334.
Autosomal recessive limb-girdle muscular dystrophy type 2J (LGMDR10). Also called: Limb-girdle muscular dystrophy, type 2J; MUSCULAR DYSTROPHY, LIMB-GIRDLE, AUTOSOMAL RECESSIVE 10. Identifiers: Orphanet 140922, MedGen C1837342, MONDO:0012127, OMIM 608807.
Dilated cardiomyopathy 1G (CMD1G). Identifiers: Orphanet 154, MedGen C1858763, MONDO:0011400, OMIM 604145.

Allele frequency attached by ClinVar (database versions not stated): TOPMed below 0.00001; gnomAD 0.00001; ExAC 0.00002; gnomAD exomes 0.00002.
gnomAD v4.1: 25 of 1,613,582 alleles (0.0015%); highest among the groups gnomAD compares: South Asian, 0.021%; no homozygotes.

Submissions (5):

Illumina Laboratory Services, Illumina
Classification: Benign for Myopathy, myofibrillar, 9, with early respiratory failure. Last evaluated: 2018-01-12. Review status: criteria provided, single submitter. Criteria: ICSL Variant Classification Criteria 13 December 2019. Collection method: clinical testing. Allele origin: germline.
Comment: This variant was observed in the ICSL laboratory as part of a predisposition screen in an ostensibly healthy population. It had not been previously curated by ICSL or reported in the Human Gene Mutation Database (HGMD: prior to June 1st, 2018), and was therefore a candidate for classification through an automated scoring system. Utilizing variant allele frequency, disease prevalence and penetrance estimates, and inheritance mode, an automated score was calculated to assess if this variant is too frequent to cause the disease. Based on the score and internal cut-off values, a variant classified as benign is not then subjected to further curation. The score for this variant resulted in a classification of benign for this disease.

Illumina Laboratory Services, Illumina
Classification: Uncertain significance for Autosomal recessive limb-girdle muscular dystrophy type 2J. Last evaluated: 2018-01-12. Review status: criteria provided, single submitter. Criteria: ICSL Variant Classification Criteria 13 December 2019. Collection method: clinical testing. Allele origin: germline.

Illumina Laboratory Services, Illumina
Classification: Uncertain significance for Early-onset myopathy with fatal cardiomyopathy. Last evaluated: 2018-01-12. Review status: criteria provided, single submitter. Criteria: ICSL Variant Classification Criteria 13 December 2019. Collection method: clinical testing. Allele origin: germline.

Illumina Laboratory Services, Illumina
Classification: Uncertain significance for Dilated cardiomyopathy 1G. Last evaluated: 2018-01-12. Review status: criteria provided, single submitter. Criteria: ICSL Variant Classification Criteria 13 December 2019. Collection method: clinical testing. Allele origin: germline.

Illumina Laboratory Services, Illumina
Classification: Benign for Tibial muscular dystrophy. Last evaluated: 2018-01-12. Review status: criteria provided, single submitter. Criteria: ICSL Variant Classification Criteria 13 December 2019. Collection method: clinical testing. Allele origin: germline.
Comment: the same text as in the submission from Illumina Laboratory Services, Illumina above.

NM_001267550.2(TTN):c.95824G>A (p.Val31942Ile)

Genes: TTN (titin; minus strand), TTN-AS1 (TTN antisense RNA 1; plus strand). Cytogenetic location: 2q31.2.
Variant type: single nucleotide variant.
Coding change: c.95824G>A on transcript NM_001267550.2 (MANE Select); coding-DNA position 95824, G replaced by A.
Protein change: p.Val31942Ile; replaces valine 31942 with isoleucine.
Molecular consequence: missense variant.
Genome position (GRCh38, 1-based): chr2:178,544,405, C>T on the plus strand (G>A on the coding strand, the complement: TTN is on the minus strand). VCF-style: chr2-178544405-C-T. GRCh37 (hg19) VCF-style: chr2-179409132-C-T.
Other names: c.90901G>A, p.Val30301Ile (NM_001256850.1); c.68629G>A, p.Val22877Ile (NM_003319.4); c.88120G>A, p.Val29374Ile (NM_133378.4); c.69004G>A, p.Val23002Ile (NM_133432.3); c.69205G>A, p.Val23069Ile (NM_133437.4); short protein forms V31942I, V23069I, V22877I, V29374I, V30301I, V23002I.
Identifiers: ClinVar variation 894609 (VCV000894609.4), dbSNP rs757627281, ClinGen allele CA1986869.